The following is an entry in ClinVar:

ClinVar aggregate classification (germline): Pathogenic (1 of 4 stars; one submission).

Conditions:
Immunodeficiency, common variable, 7. Identifiers: Orphanet 1572, Orphanet 696894, MedGen C3542922, MONDO:0013862, OMIM 614699.

Submission:

Labcorp Genetics (formerly Invitae), Labcorp
Classification: Pathogenic for Immunodeficiency, common variable, 7. Last evaluated: 2025-08-17. Review status: criteria provided, single submitter. Criteria: Invitae Variant Classification Sherloc (09022015). Collection method: clinical testing. Allele origin: germline.
Comment: This sequence change creates a premature translational stop signal (p.Cys1037*) in the CR2 gene. It is expected to result in an absent or disrupted protein product. Loss-of-function variants in CR2 are known to be pathogenic (PMID: 26325596, 28499783). This variant is not present in population databases (gnomAD no frequency). This variant has not been reported in the literature in individuals affected with CR2-related conditions. For these reasons, this variant has been classified as Pathogenic.

Literature cited by the submitters: PubMed 26325596; PubMed 28499783.

NM_001006658.3(CR2):c.3111T>A (p.Cys1037Ter)

Gene: CR2 (complement C3d receptor 2; plus strand). Cytogenetic location: 1q32.2.
Variant type: single nucleotide variant.
Coding change: c.3111T>A on transcript NM_001006658.3 (MANE Select); coding-DNA position 3111, T replaced by A.
Protein change: p.Cys1037Ter; replaces cysteine 1037 with a stop codon.
Molecular consequence: nonsense.
Genome position (GRCh38, 1-based): chr1:207,479,279, T>A. VCF-style: chr1-207479279-T-A. GRCh37 (hg19) VCF-style: chr1-207652624-T-A.
Other names: c.2934T>A, p.Cys978Ter (NM_001877.5); short protein forms C1037*, C978*.
Identifiers: ClinVar variation 4725530 (VCV004725530.1).